The following is an entry in ClinVar:

ClinVar aggregate classification (germline): Likely benign. Review status: criteria provided, multiple submitters, no conflicts (2 of 4 stars). 2 submissions from 2 submitters: Likely benign (2). Last evaluated 2024-10-16.

Allele frequency attached by ClinVar (database versions not stated): TOPMed below 0.00001; gnomAD 0.00001; gnomAD exomes 0.00001 and 0.00002.

Submissions (2):

Labcorp Genetics (formerly Invitae), Labcorp
Classification: Likely benign. Last evaluated: 2024-10-16. Review status: criteria provided, single submitter. Criteria: Invitae Variant Classification Sherloc (09022015). Collection method: clinical testing. Allele origin: germline.

CeGaT Center for Human Genetics Tuebingen
Classification: Likely benign. Last evaluated: 2023-01-01. Review status: criteria provided, single submitter. Criteria: CeGaT Center For Human Genetics Tuebingen Variant Classification Criteria Version 2. Collection method: clinical testing. Allele origin: germline. Affected: yes. Observed: 1 variant allele.
Comment: CAD: BP4, BP7

NM_004341.5(CAD):c.5832A>G (p.Ala1944=)

Gene: CAD (carbamoyl-phosphate synthetase 2, aspartate transcarbamylase, and dihydroorotase; plus strand). Cytogenetic location: 2p23.3.
Variant type: single nucleotide variant.
Coding change: c.5832A>G on transcript NM_004341.5 (MANE Select); coding-DNA position 5832, A replaced by G.
Protein change: p.Ala1944=; no amino-acid change (alanine 1944 retained).
Molecular consequence: synonymous variant.
Genome position (GRCh38, 1-based): chr2:27,241,345, A>G. VCF-style: chr2-27241345-A-G. GRCh37 (hg19) VCF-style: chr2-27464213-A-G.
Other names: c.5643A>G, p.Ala1881= (NM_001306079.2).
Identifiers: ClinVar variation 1546815 (VCV001546815.31), dbSNP rs1246155840, ClinGen allele CA425600407.
Genomic context (GRCh38, chr2:27,241,345, plus strand): 5'-GCTAGGACCTTTCTAGCTAACTTGGGCTCTTTCTTAGATGTCTCACCTGTTCAATGTGGC[A>G]CACACACTGCGTATGATGGTGCAGAAGGAGCGGAGCCTCGACATCCTGAAGGTCAGGATC-3'
Protein context (NP_004332.2, residues 1934-1954): KDQMSHLFNV[Ala1944=]HTLRMMVQKE